The following is an entry in ClinVar:

ClinVar aggregate classification (germline): Uncertain significance. Review status: criteria provided, multiple submitters, no conflicts (2 of 4 stars). 2 submissions from 2 submitters: Uncertain significance (2). Last evaluated 2025-05-29.

gnomAD v4.1: 1 of 1,613,828 alleles (0.000062%); no homozygotes.

Submissions (2):

Ambry Genetics
Classification: Uncertain significance. Last evaluated: 2025-05-29. Review status: criteria provided, single submitter. Criteria: Ambry Variant Classification Scheme 2023. Collection method: clinical testing. Allele origin: germline.

Labcorp Genetics (formerly Invitae), Labcorp
Classification: Uncertain significance. Last evaluated: 2025-01-06. Review status: criteria provided, single submitter. Criteria: Invitae Variant Classification Sherloc (09022015). Collection method: clinical testing. Allele origin: germline.
Comment: This sequence change replaces lysine, which is basic and polar, with threonine, which is neutral and polar, at codon 1121 of the NPAT protein (p.Lys1121Thr). This variant is not present in population databases (gnomAD no frequency). This variant has not been reported in the literature in individuals affected with NPAT-related conditions. ClinVar contains an entry for this variant (Variation ID: 2897307). An algorithm developed to predict the effect of missense changes on protein structure and function (PolyPhen-2) suggests that this variant is likely to be tolerated. In summary, the available evidence is currently insufficient to determine the role of this variant in disease. Therefore, it has been classified as a Variant of Uncertain Significance.

NM_002519.3(NPAT):c.3362A>C (p.Lys1121Thr)

Gene: NPAT (nuclear protein, coactivator of histone transcription; minus strand). Cytogenetic location: 11q22.3.
Variant type: single nucleotide variant.
Coding change: c.3362A>C on transcript NM_002519.3 (MANE Select); coding-DNA position 3362, A replaced by C.
Protein change: p.Lys1121Thr; replaces lysine 1121 with threonine.
Molecular consequence: missense variant.
Genome position (GRCh38, 1-based): chr11:108,161,724, T>G on the plus strand (A>C on the coding strand, the complement: NPAT is on the minus strand). VCF-style: chr11-108161724-T-G. GRCh37 (hg19) VCF-style: chr11-108032451-T-G.
Other names: c.3362A>C (NM_002519.2); c.3383A>C, p.Lys1128Thr (NM_001321307.1); short protein forms K1121T, K1128T.
Identifiers: ClinVar variation 2897307 (VCV002897307.5), dbSNP rs2496696324, ClinGen allele CA382510973.